The following is an entry in ClinVar:

NM_001130009.3(GEN1):c.2165A>G (p.Asp722Gly)

Gene: GEN1 (GEN1 Holliday junction 5' flap endonuclease; plus strand). Cytogenetic location: 2p24.2.
Variant type: single nucleotide variant.
Coding change: c.2165A>G on transcript NM_001130009.3 (MANE Select); coding-DNA position 2165, A replaced by G.
Protein change: p.Asp722Gly; replaces aspartic acid 722 with glycine.
Molecular consequence: missense variant.
Genome position (GRCh38, 1-based): chr2:17,781,377, A>G. VCF-style: chr2-17781377-A-G. GRCh37 (hg19) VCF-style: chr2-17962644-A-G.
Other names: c.2165A>G, p.Asp722Gly (NM_182625.5); short protein forms D722G.
Identifiers: ClinVar variation 4263055 (VCV004263055.1).

ClinVar aggregate classification (germline): Uncertain significance (1 of 4 stars; one submission).

Submission:

Ambry Genetics
Classification: Uncertain significance. Last evaluated: 2025-08-02. Review status: criteria provided, single submitter. Criteria: Ambry Variant Classification Scheme 2023. Collection method: clinical testing. Allele origin: germline.
Comment: The p.D722G variant (also known as c.2165A>G), located in coding exon 13 of the GEN1 gene, results from an A to G substitution at nucleotide position 2165. The aspartic acid at codon 722 is replaced by glycine, an amino acid with similar properties. This amino acid position is conserved. In addition, this alteration is predicted to be tolerated by in silico analysis. Based on the available evidence, the clinical significance of this variant remains unclear.